The following is an entry in ClinVar:

NM_001189.4(NKX3-2):c.493G>C (p.Asp165His)

Gene: NKX3-2 (NK3 homeobox 2; minus strand). Cytogenetic location: 4p15.33.
Variant type: single nucleotide variant.
Coding change: c.493G>C on transcript NM_001189.4 (MANE Select); coding-DNA position 493, G replaced by C.
Protein change: p.Asp165His; replaces aspartic acid 165 with histidine.
Molecular consequence: missense variant.
Genome position (GRCh38, 1-based): chr4:13,542,502, C>G on the plus strand (G>C on the coding strand, the complement: NKX3-2 is on the minus strand). VCF-style: chr4-13542502-C-G. GRCh37 (hg19) VCF-style: chr4-13544126-C-G.
Other names: short protein forms D165H.
Identifiers: ClinVar variation 726146 (VCV000726146.12), dbSNP rs61795263, ClinGen allele CA2860371.

ClinVar aggregate classification (germline): Benign. Review status: criteria provided, multiple submitters, no conflicts (2 of 4 stars). 3 submissions from 3 submitters: Benign (2). 1 of the submissions does not count toward it. Last evaluated 2025-12-29.

Conditions:
NKX3-2-related disorder. Also called: NKX3-2-related condition.

Allele frequency attached by ClinVar (database versions not stated): ExAC 0.00130; gnomAD 0.00150 and 0.00158; gnomAD exomes 0.00153; TOPMed 0.00157.

Submissions (3):

Labcorp Genetics (formerly Invitae), Labcorp
Classification: Benign. Last evaluated: 2025-12-29. Review status: criteria provided, single submitter. Criteria: Invitae Variant Classification Sherloc (09022015). Collection method: clinical testing. Allele origin: germline.

Breakthrough Genomics
Classification: Benign. Review status: criteria provided, single submitter. Criteria: ACMG Guidelines, 2015. Collection method: not provided. Allele origin: germline. Inheritance: Autosomal recessive inheritance. Affected: yes.

PreventionGenetics, part of Exact Sciences
Classification: Benign for NKX3-2-related condition. Last evaluated: 2020-07-14. Review status: no assertion criteria provided. Collection method: clinical testing. Allele origin: germline. Not counted in ClinVar's aggregate classification.
Comment: This variant is classified as benign based on ACMG/AMP sequence variant interpretation guidelines (Richards et al. 2015 PMID: 25741868, with internal and published modifications).